The following is an entry in ClinVar:

ClinVar aggregate classification (germline): Conflicting classifications of pathogenicity. Review status: criteria provided, conflicting classifications (1 of 4 stars). 5 submissions from 5 submitters: Uncertain significance (3); Likely benign (2). Last evaluated 2025-06-04.

Conditions:
Floating-Harbor syndrome (FLHS). Also called: Short stature with delayed bone age, expressive language delay, a triangular face with a prominent nose and deep-set eyes; Pelletier-Leisti syndrome; SRCAP-Related Floating-Harbor Syndrome. Identifiers: Orphanet 2044, MedGen C0729582, MONDO:0007621, OMIM 136140.
Developmental delay, hypotonia, musculoskeletal defects, and behavioral abnormalities. Identifiers: MedGen C5562012, MONDO:0859202, OMIM 619595.
Inborn genetic diseases. Identifiers: MedGen C0950123, MeSH D030342.

Allele frequency attached by ClinVar (database versions not stated): gnomAD 0.00003; gnomAD exomes 0.00003 and 0.00007; TOPMed 0.00006; ExAC 0.00009; ESP Exome Variant Server 0.00023.
gnomAD v4.1: 47 of 1,613,950 alleles (0.0029%); highest among the groups gnomAD compares: Non-Finnish European, 0.0035%; no homozygotes.

Submissions (5):

Labcorp Genetics (formerly Invitae), Labcorp
Classification: Uncertain significance. Last evaluated: 2025-06-04. Review status: criteria provided, single submitter. Criteria: Invitae Variant Classification Sherloc (09022015). Collection method: clinical testing. Allele origin: germline.
Comment: This sequence change replaces threonine, which is neutral and polar, with alanine, which is neutral and non-polar, at codon 2997 of the SRCAP protein (p.Thr2997Ala). This variant is present in population databases (rs138111804, gnomAD 0.01%). This variant has not been reported in the literature in individuals affected with SRCAP-related conditions. ClinVar contains an entry for this variant (Variation ID: 1378533). Invitae Evidence Modeling of protein sequence and biophysical properties (such as structural, functional, and spatial information, amino acid conservation, physicochemical variation, residue mobility, and thermodynamic stability) indicates that this missense variant is not expected to disrupt SRCAP protein function with a negative predictive value of 80%. In summary, the available evidence is currently insufficient to determine the role of this variant in disease. Therefore, it has been classified as a Variant of Uncertain Significance.

CeGaT Center for Human Genetics Tuebingen
Classification: Likely benign. Last evaluated: 2024-06-01. Review status: criteria provided, single submitter. Criteria: CeGaT Center For Human Genetics Tuebingen Variant Classification Criteria Version 2. Collection method: clinical testing. Allele origin: germline. Affected: yes. Observed: 2 variant alleles.
Comment: SRCAP: BP1, BP4

Ambry Genetics
Classification: Likely benign for Inborn genetic diseases. Last evaluated: 2023-12-21. Review status: criteria provided, single submitter. Criteria: Ambry Variant Classification Scheme 2023. Collection method: clinical testing. Allele origin: germline.

Revvity Omics, Revvity
Classification: Uncertain significance. Last evaluated: 2023-07-27. Review status: criteria provided, single submitter. Criteria: ACMG Guidelines, 2015. Collection method: clinical testing. Allele origin: germline.

Fulgent Genetics
Classification: Uncertain significance for Floating-Harbor syndrome; Developmental delay, hypotonia, musculoskeletal defects, and behavioral abnormalities. Last evaluated: 2022-04-21. Review status: criteria provided, single submitter. Criteria: ACMG Guidelines, 2015. Collection method: clinical testing. Allele origin: unknown.

NM_006662.3(SRCAP):c.8989A>G (p.Thr2997Ala)

Gene: SRCAP (Snf2 related CREBBP activator protein; plus strand). Cytogenetic location: 16p11.2.
Variant type: single nucleotide variant.
Coding change: c.8989A>G on transcript NM_006662.3 (MANE Select); coding-DNA position 8989, A replaced by G.
Protein change: p.Thr2997Ala; replaces threonine 2997 with alanine.
Molecular consequence: missense variant.
Genome position (GRCh38, 1-based): chr16:30,739,029, A>G. VCF-style: chr16-30739029-A-G. GRCh37 (hg19) VCF-style: chr16-30750350-A-G.
Other names: c.8989A>G (NM_006662.2); short protein forms T2997A.
Identifiers: ClinVar variation 1378533 (VCV001378533.34), dbSNP rs138111804, ClinGen allele CA8012810.